The following is an entry in ClinVar:

ClinVar aggregate classification (germline): Uncertain significance (1 of 4 stars; one submission).

gnomAD v4.1: 2 of 1,428,366 alleles (0.00014%); highest among the groups gnomAD compares: Admixed American, 0.0057%; no homozygotes.

Submission:

Labcorp Genetics (formerly Invitae), Labcorp
Classification: Uncertain significance. Last evaluated: 2025-10-06. Review status: criteria provided, single submitter. Criteria: Invitae Variant Classification Sherloc (09022015). Collection method: clinical testing. Allele origin: germline.
Comment: This sequence change replaces alanine, which is neutral and non-polar, with aspartic acid, which is acidic and polar, at codon 17 of the P4HB protein (p.Ala17Asp). This variant is not present in population databases (gnomAD no frequency). This variant has not been reported in the literature in individuals affected with P4HB-related conditions. An algorithm developed to predict the effect of missense changes on protein structure and function (PolyPhen-2) suggests that this variant is likely to be tolerated. In summary, the available evidence is currently insufficient to determine the role of this variant in disease. Therefore, it has been classified as a Variant of Uncertain Significance.

NM_000918.4(P4HB):c.50C>A (p.Ala17Asp)

Gene: P4HB (prolyl 4-hydroxylase subunit beta; minus strand). Cytogenetic location: 17q25.3.
Variant type: single nucleotide variant.
Coding change: c.50C>A on transcript NM_000918.4 (MANE Select); coding-DNA position 50, C replaced by A.
Protein change: p.Ala17Asp; replaces alanine 17 with aspartic acid.
Molecular consequence: missense variant.
Genome position (GRCh38, 1-based): chr17:81,860,422, G>T on the plus strand (C>A on the coding strand, the complement: P4HB is on the minus strand). VCF-style: chr17-81860422-G-T. GRCh37 (hg19) VCF-style: chr17-79818298-G-T.
Other names: short protein forms A17D.
Identifiers: ClinVar variation 4703525 (VCV004703525.1).
Genomic context (GRCh38, chr17:81,860,422, plus strand): 5'-GCCTCCGCGAAGTTGCTTTTCCGCAGCACCAGGACGTGGTCCTCCTCCTCGGGGGCGTCG[G>T]CGCGCACCAGGGCGGCCACGGCCAGGCACAGCAGAGCGCGGCGCAGCATGTCGGACACGG-3'
Protein context (NP_000909.2, residues 7-27): LCLAVAALVR[Ala17Asp]DAPEEEDHVL